The following is an entry in ClinVar:

ClinVar aggregate classification (germline): Uncertain significance (1 of 4 stars; one submission).

Conditions:
Charcot-Marie-Tooth disease type 4. Also called: Charcot-Marie-Tooth disease, type IV; Charcot-Marie-Tooth, Type 4. Identifiers: Orphanet 64749, MedGen C4082197, MONDO:0018995.

Allele frequency attached by ClinVar (database versions not stated): gnomAD exomes below 0.00001.
gnomAD v4.1: 2 of 1,613,076 alleles (0.00012%); highest among the groups gnomAD compares: African/African-American, 0.0013%; no homozygotes.

Submission:

Labcorp Genetics (formerly Invitae), Labcorp
Classification: Uncertain significance for Charcot-Marie-Tooth disease type 4. Last evaluated: 2019-12-18. Review status: criteria provided, single submitter. Criteria: Invitae Variant Classification Sherloc (09022015). Collection method: clinical testing. Allele origin: germline.
Comment: This sequence change replaces phenylalanine with leucine at codon 551 of the MTMR2 protein (p.Phe551Leu). The phenylalanine residue is highly conserved and there is a small physicochemical difference between phenylalanine and leucine. This variant is not present in population databases (ExAC no frequency). This variant has not been reported in the literature in individuals with MTMR2-related conditions. Algorithms developed to predict the effect of missense changes on protein structure and function are either unavailable or do not agree on the potential impact of this missense change (SIFT: "Deleterious"; PolyPhen-2: "Benign"; Align-GVGD: "Class C0"). In summary, the available evidence is currently insufficient to determine the role of this variant in disease. Therefore, it has been classified as a Variant of Uncertain Significance.

NM_016156.6(MTMR2):c.1651T>C (p.Phe551Leu)

Gene: MTMR2 (myotubularin related protein 2; minus strand). Cytogenetic location: 11q21.
Variant type: single nucleotide variant.
Coding change: c.1651T>C on transcript NM_016156.6 (MANE Select); coding-DNA position 1651, T replaced by C.
Protein change: p.Phe551Leu; replaces phenylalanine 551 with leucine.
Molecular consequence: missense variant.
Genome position (GRCh38, 1-based): chr11:95,836,267, A>G on the plus strand (T>C on the coding strand, the complement: MTMR2 is on the minus strand). VCF-style: chr11-95836267-A-G. GRCh37 (hg19) VCF-style: chr11-95569431-A-G.
Other names: c.1435T>C, p.Phe479Leu (NM_001243571.2, NM_201278.3, NM_201281.3); short protein forms F551L, F479L.
Identifiers: ClinVar variation 842309 (VCV000842309.10), dbSNP rs1863277955, ClinGen allele CA382414762.